The following is an entry in ClinVar:

ClinVar aggregate classification (germline): Conflicting classifications of pathogenicity. Review status: criteria provided, conflicting classifications (1 of 4 stars). 3 submissions from 3 submitters: Uncertain significance (2); Likely benign (1). Last evaluated 2024-12-14.

Conditions:
Congenital myasthenic syndrome 9. Also called: Myasthenic syndrome, congenital, 9, associated with acetylcholine receptor deficiency. Identifiers: Orphanet 590, MedGen C4225368, MONDO:0014587, OMIM 616325.
Inborn genetic diseases. Identifiers: MedGen C0950123, MeSH D030342.
Fetal akinesia deformation sequence 1 (FADS1). Also called: Pena-Shokeir syndrome type I; Fetal akinesia sequence. Identifiers: Orphanet 994, MedGen C1276035, MONDO:0100101, OMIM 208150, HP:0001989.

Allele frequency attached by ClinVar (database versions not stated): gnomAD 0.00001 and 0.00002; TOPMed 0.00003; ESP Exome Variant Server 0.00008; 1000 Genomes Project 0.00020; 1000 Genomes Project 30x 0.00031.
gnomAD v4.1: 22 of 1,613,932 alleles (0.0014%); highest among the groups gnomAD compares: Admixed American, 0.0067%; no homozygotes.

Submissions (3):

Ambry Genetics
Classification: Likely benign for Inborn genetic diseases. Last evaluated: 2024-12-14. Review status: criteria provided, single submitter. Criteria: Ambry Variant Classification Scheme 2023. Collection method: clinical testing. Allele origin: germline.

Labcorp Genetics (formerly Invitae), Labcorp
Classification: Uncertain significance for Congenital myasthenic syndrome 9; Fetal akinesia deformation sequence 1. Last evaluated: 2022-08-21. Review status: criteria provided, single submitter. Criteria: Invitae Variant Classification Sherloc (09022015). Collection method: clinical testing. Allele origin: germline.
Comment: This sequence change replaces valine, which is neutral and non-polar, with methionine, which is neutral and non-polar, at codon 431 of the MUSK protein (p.Val431Met). This variant is present in population databases (rs372013406, gnomAD 0.006%). This variant has not been reported in the literature in individuals affected with MUSK-related conditions. ClinVar contains an entry for this variant (Variation ID: 364608). Advanced modeling of protein sequence and biophysical properties (such as structural, functional, and spatial information, amino acid conservation, physicochemical variation, residue mobility, and thermodynamic stability) performed at Invitae indicates that this missense variant is not expected to disrupt MUSK protein function. In summary, the available evidence is currently insufficient to determine the role of this variant in disease. Therefore, it has been classified as a Variant of Uncertain Significance.

Illumina Laboratory Services, Illumina
Classification: Uncertain significance for Congenital myasthenic syndrome 9. Last evaluated: 2018-01-12. Review status: criteria provided, single submitter. Criteria: ICSL Variant Classification Criteria 13 December 2019. Collection method: clinical testing. Allele origin: germline.

NM_005592.4(MUSK):c.1291G>A (p.Val431Met)

Gene: MUSK (muscle associated receptor tyrosine kinase; plus strand). Cytogenetic location: 9q31.3.
Variant type: single nucleotide variant.
Coding change: c.1291G>A on transcript NM_005592.4 (MANE Select); coding-DNA position 1291, G replaced by A.
Protein change: p.Val431Met; replaces valine 431 with methionine.
Molecular consequence: missense variant.
Genome position (GRCh38, 1-based): chr9:110,775,894, G>A. VCF-style: chr9-110775894-G-A. GRCh37 (hg19) VCF-style: chr9-113538174-G-A.
Other names: c.1057G>A, p.Val353Met (NM_001166280.2); c.1027G>A, p.Val343Met (NM_001166281.2); c.55G>A, p.Val19Met (NM_001369398.1); short protein forms V431M, V19M, V343M, V353M.
Identifiers: ClinVar variation 364608 (VCV000364608.7), dbSNP rs372013406, ClinGen allele CA5184320.